The following is an entry in ClinVar:

ClinVar aggregate classification (germline): Uncertain significance (1 of 4 stars; one submission).

Submission:

Labcorp Genetics (formerly Invitae), Labcorp
Classification: Uncertain significance. Last evaluated: 2023-07-18. Review status: criteria provided, single submitter. Criteria: Invitae Variant Classification Sherloc (09022015). Collection method: clinical testing. Allele origin: germline.
Comment: This sequence change affects codon 562 of the C3 mRNA. It is a 'silent' change, meaning that it does not change the encoded amino acid sequence of the C3 protein. This variant also falls at the last nucleotide of exon 13, which is part of the consensus splice site for this exon. In summary, the available evidence is currently insufficient to determine the role of this variant in disease. Therefore, it has been classified as a Variant of Uncertain Significance. Variants that disrupt the consensus splice site are a relatively common cause of aberrant splicing (PMID: 17576681, 9536098). Algorithms developed to predict the effect of sequence changes on RNA splicing suggest that this variant is not likely to affect RNA splicing. This variant has not been reported in the literature in individuals affected with C3-related conditions. This variant is not present in population databases (gnomAD no frequency).

Literature cited by the submitters: PubMed 17576681; PubMed 9536098.

NM_000064.4(C3):c.1686G>C (p.Ser562=)

Gene: C3 (complement C3; minus strand). Cytogenetic location: 19p13.3.
Variant type: single nucleotide variant.
Coding change: c.1686G>C on transcript NM_000064.4 (MANE Select); coding-DNA position 1686, G replaced by C.
Protein change: p.Ser562=; no amino-acid change (serine 562 retained).
Molecular consequence: synonymous variant.
Genome position (GRCh38, 1-based): chr19:6,710,639, C>G on the plus strand (G>C on the coding strand, the complement: C3 is on the minus strand). VCF-style: chr19-6710639-C-G. GRCh37 (hg19) VCF-style: chr19-6710650-C-G.
Identifiers: ClinVar variation 2870423 (VCV002870423.3), dbSNP rs143750180, ClinGen allele CA505192631.
Genomic context (GRCh38, chr19:6,710,639, plus strand): 5'-AGAGAGAGAGAGAGGAGTAGGGAGAGGGAGAGGGGGCGAGCGAGCCCAGGGCACACTTAC[C>G]GAGCCCACGCAGGAGTCCTTGACGTCCACCCACACGGAGTCGGCCACCACCTCCCTCTGG-3'
Protein context (NP_000055.2, residues 552-572): WVDVKDSCVG[Ser562=]LVVKSGQSED